The following is an entry in ClinVar:

ClinVar aggregate classification (germline): Uncertain significance (1 of 4 stars; one submission).

Submission:

GeneDx
Classification: Uncertain significance. Last evaluated: 2025-01-30. Review status: criteria provided, single submitter. Criteria: GeneDx Variant Classification Process June 2021. Collection method: clinical testing. Allele origin: germline. Affected: yes.
Comment: Not observed at significant frequency in large population cohorts (gnomAD); In silico analysis supports that this missense variant has a deleterious effect on protein structure/function; Has not been previously published as pathogenic or benign to our knowledge

NM_020738.4(KIDINS220):c.202G>T (p.Asp68Tyr)

Gene: KIDINS220 (kinase D interacting substrate 220; minus strand). Cytogenetic location: 2p25.1.
Variant type: single nucleotide variant.
Coding change: c.202G>T on transcript NM_020738.4 (MANE Select); coding-DNA position 202, G replaced by T.
Protein change: p.Asp68Tyr; replaces aspartic acid 68 with tyrosine.
Molecular consequence: missense variant. On other transcripts: non-coding transcript variant (2).
Genome position (GRCh38, 1-based): chr2:8,818,700, C>A on the plus strand (G>T on the coding strand, the complement: KIDINS220 is on the minus strand). VCF-style: chr2-8818700-C-A. GRCh37 (hg19) VCF-style: chr2-8958830-C-A.
Other names: c.202G>T, p.Asp68Tyr (NM_001348729.2, NM_001348731.2, NM_001348732.2 and 9 more transcripts); c.76G>T, p.Asp26Tyr (NM_001348736.2); short protein forms D26Y, D68Y.
Identifiers: ClinVar variation 4072589 (VCV004072589.1).